The following is an entry in ClinVar:

ClinVar aggregate classification (germline): Likely benign (1 of 4 stars; one submission).

Conditions:
Colorectal cancer, susceptibility to, 1. Also called: COLORECTAL ADENOMA AND CANCER, SUSCEPTIBILITY TO; COLORECTAL CANCER, SUSCEPTIBILITY TO, ON CHROMOSOME 9. Identifiers: MedGen C1837315, MONDO:0012132, OMIM 608812.

gnomAD v4.1: 3 of 1,558,194 alleles (0.00019%); highest among the groups gnomAD compares: Non-Finnish European, 0.00027%; no homozygotes.

Submission:

Myriad Genetics, Inc.
Classification: Likely benign for Colorectal cancer, susceptibility to, 1. Last evaluated: 2026-09-11. Review status: criteria provided, single submitter. Criteria: Myriad Autosomal Dominant, Autosomal Recessive and X-Linked Classification Criteria (2023). Collection method: clinical testing. Allele origin: unknown.
Comment: This variant is considered likely benign. This variant is intronic and is not expected to impact mRNA splicing.

NM_024642.5(GALNT12):c.1345-16T>C

Gene: GALNT12 (polypeptide N-acetylgalactosaminyltransferase 12; plus strand). Cytogenetic location: 9q22.33.
Variant type: single nucleotide variant.
Coding change: c.1345-16T>C on transcript NM_024642.5 (MANE Select); 16 bases into the intron before coding-DNA position 1345, T replaced by C.
Molecular consequence: intron variant.
Genome position (GRCh38, 1-based): chr9:98,844,080, T>C. VCF-style: chr9-98844080-T-C. GRCh37 (hg19) VCF-style: chr9-101606362-T-C.
Identifiers: ClinVar variation 5042322 (VCV005042322.1).